The following is an entry in ClinVar:

NM_001458.5(FLNC):c.743A>G (p.His248Arg)

Gene: FLNC (filamin C; plus strand). Cytogenetic location: 7q32.1.
Variant type: single nucleotide variant.
Coding change: c.743A>G on transcript NM_001458.5 (MANE Select); coding-DNA position 743, A replaced by G.
Protein change: p.His248Arg; replaces histidine 248 with arginine.
Molecular consequence: missense variant.
Genome position (GRCh38, 1-based): chr7:128,837,441, A>G. VCF-style: chr7-128837441-A-G. GRCh37 (hg19) VCF-style: chr7-128477495-A-G.
Other names: c.743A>G, p.His248Arg (NM_001127487.2); short protein forms H248R.
Identifiers: ClinVar variation 4812399 (VCV004812399.1).
Genomic context (GRCh38, chr7:128,837,441, plus strand): 5'-ACTCCTTTCCATCGCAGGTCATTGCCCCTGAGGAGATTGTGGACCCCAACGTGGATGAGC[A>G]TTCTGTTATGACCTACCTGTCCCAGTTCCCCAAGGCCAAGCTCAAACCTGGTGCCCCTGT-3'
Protein context (NP_001449.3, residues 238-258): EEIVDPNVDE[His248Arg]SVMTYLSQFP

ClinVar aggregate classification (germline): Uncertain significance (1 of 4 stars; one submission).

Conditions:
Hypertrophic cardiomyopathy 26. Also called: Cardiomyopathy, familial hypertrophic, 26. Identifiers: Orphanet 75249, MedGen C4310749, MONDO:0014883, OMIM 617047.
Myofibrillar myopathy 5. Also called: Filaminopathy (type); FILAMINOPATHY, AUTOSOMAL DOMINANT. Identifiers: Orphanet 171445, MedGen C1836050, MONDO:0012289, OMIM 609524.
Distal myopathy with posterior leg and anterior hand involvement. Also called: WILLIAMS DISTAL MYOPATHY. Identifiers: Orphanet 63273, MedGen C3279722, MONDO:0013550, OMIM 614065.

Submission:

Labcorp Genetics (formerly Invitae), Labcorp
Classification: Uncertain significance for Distal myopathy with posterior leg and anterior hand involvement; Myofibrillar myopathy 5; Hypertrophic cardiomyopathy 26. Last evaluated: 2025-05-21. Review status: criteria provided, single submitter. Criteria: Invitae Variant Classification Sherloc (09022015). Collection method: clinical testing. Allele origin: germline.
Comment: This sequence change replaces histidine, which is basic and polar, with arginine, which is basic and polar, at codon 248 of the FLNC protein (p.His248Arg). This variant is not present in population databases (gnomAD no frequency). This variant has not been reported in the literature in individuals affected with FLNC-related conditions. Invitae Evidence Modeling of protein sequence and biophysical properties (such as structural, functional, and spatial information, amino acid conservation, physicochemical variation, residue mobility, and thermodynamic stability) has been performed for this missense variant. However, the output from this modeling did not meet the statistical confidence thresholds required to predict the impact of this variant on FLNC protein function. In summary, the available evidence is currently insufficient to determine the role of this variant in disease. Therefore, it has been classified as a Variant of Uncertain Significance.